The following is an entry in ClinVar:

NM_174878.3(CLRN1):c.322C>T (p.Leu108Phe)

Gene: CLRN1 (clarin 1; minus strand). Cytogenetic location: 3q25.1.
Variant type: single nucleotide variant.
Coding change: c.322C>T on transcript NM_174878.3 (MANE Select); coding-DNA position 322, C replaced by T.
Protein change: p.Leu108Phe; replaces leucine 108 with phenylalanine.
Molecular consequence: missense variant. On other transcripts: non-coding transcript variant (1).
Genome position (GRCh38, 1-based): chr3:150,941,693, G>A on the plus strand (C>T on the coding strand, the complement: CLRN1 is on the minus strand). VCF-style: chr3-150941693-G-A. GRCh37 (hg19) VCF-style: chr3-150659480-G-A.
Other names: c.322C>T, p.Leu108Phe (NM_001195794.1); c.494C>T, p.Pro165Leu (NM_001256819.2); c.94C>T, p.Leu32Phe (NM_052995.2); c.322C>T (NM_174878.2); short protein forms L108F, L32F, P165L.
Identifiers: ClinVar variation 991770 (VCV000991770.7), dbSNP rs144691725, ClinGen allele CA2666085.

ClinVar aggregate classification (germline): Uncertain significance. Review status: criteria provided, multiple submitters, no conflicts (2 of 4 stars). 6 submissions from 6 submitters: Uncertain significance (5). 1 of the submissions does not count toward it. Last evaluated 2025-08-23.

Conditions:
Retinitis pigmentosa (RP). Identifiers: Orphanet 791, MedGen C0035334, MeSH D012174, MONDO:0019200, OMIM 268000. Inheritance: Autosomal dominant, autosomal recessive and X linked inheritance.
Usher syndrome type 3A (USH3A). Also called: USHER SYNDROME, TYPE IIIA. Identifiers: MedGen C5779850, MONDO:0010170, OMIM 276902.
Retinitis pigmentosa 61 (RP61). Identifiers: Orphanet 791, MedGen C3280041, MONDO:0013610, OMIM 614180.
Inborn genetic diseases. Identifiers: MedGen C0950123, MeSH D030342.

Allele frequency attached by ClinVar (database versions not stated): gnomAD 0.00005 and 0.00006; gnomAD exomes 0.00005 and 0.00004; ESP Exome Variant Server 0.00008; ExAC 0.00005; 1000 Genomes Project 0.00020; TOPMed 0.00005; 1000 Genomes Project 30x 0.00031.
gnomAD v4.1: 73 of 1,614,000 alleles (0.0045%); highest among the groups gnomAD compares: Admixed American, 0.043%; no homozygotes.

Submissions (6):

Ambry Genetics
Classification: Uncertain significance for Inborn genetic diseases. Last evaluated: 2025-08-23. Review status: criteria provided, single submitter. Criteria: Ambry Variant Classification Scheme 2023. Collection method: clinical testing. Allele origin: germline.

GeneDx
Classification: Uncertain significance. Last evaluated: 2024-11-25. Review status: criteria provided, single submitter. Criteria: GeneDx Variant Classification Process June 2021. Collection method: clinical testing. Allele origin: germline. Affected: yes.
Comment: In silico analysis indicates that this missense variant does not alter protein structure/function; Has not been previously published as pathogenic or benign to our knowledge

Blueprint Genetics
Classification: Uncertain significance. Last evaluated: 2024-11-18. Review status: criteria provided, single submitter. Criteria: ACMG Guidelines, 2015. Collection method: clinical testing. Allele origin: germline.

Labcorp Genetics (formerly Invitae), Labcorp
Classification: Uncertain significance. Last evaluated: 2022-10-05. Review status: criteria provided, single submitter. Criteria: Invitae Variant Classification Sherloc (09022015). Collection method: clinical testing. Allele origin: germline.
Comment: This sequence change replaces leucine, which is neutral and non-polar, with phenylalanine, which is neutral and non-polar, at codon 108 of the CLRN1 protein (p.Leu108Phe). This variant is present in population databases (rs144691725, gnomAD 0.03%). This variant has not been reported in the literature in individuals affected with CLRN1-related conditions. ClinVar contains an entry for this variant (Variation ID: 991770). Algorithms developed to predict the effect of missense changes on protein structure and function output the following: SIFT: "Deleterious"; PolyPhen-2: "Benign"; Align-GVGD: "Class C0". The phenylalanine amino acid residue is found in multiple mammalian species, which suggests that this missense change does not adversely affect protein function. In summary, the available evidence is currently insufficient to determine the role of this variant in disease. Therefore, it has been classified as a Variant of Uncertain Significance.

Fulgent Genetics
Classification: Uncertain significance for Retinitis pigmentosa; Usher syndrome type 3A; Retinitis pigmentosa 61. Last evaluated: 2022-01-27. Review status: criteria provided, single submitter. Criteria: ACMG Guidelines, 2015. Collection method: clinical testing. Allele origin: unknown.

Natera, Inc.
Classification: Uncertain significance for Usher syndrome type 3A. Last evaluated: 2020-09-23. Review status: no assertion criteria provided. Collection method: clinical testing. Allele origin: germline. Not counted in ClinVar's aggregate classification.